The following is an entry in ClinVar:

NM_007294.4(BRCA1):c.4735C>T (p.Pro1579Ser)

Gene: BRCA1 (BRCA1 DNA repair associated; minus strand). Cytogenetic location: 17q21.31.
Variant type: single nucleotide variant.
Coding change: c.4735C>T on transcript NM_007294.4 (MANE Select); coding-DNA position 4735, C replaced by T.
Protein change: p.Pro1579Ser; replaces proline 1579 with serine.
Molecular consequence: missense variant. On other transcripts: non-coding transcript variant (1).
Genome position (GRCh38, 1-based): chr17:43,071,179, G>A on the plus strand (C>T on the coding strand, the complement: BRCA1 is on the minus strand). VCF-style: chr17-43071179-G-A. GRCh37 (hg19) VCF-style: chr17-41223196-G-A.
Other names: c.4588C>T, p.Pro1530Ser (NM_001407852.1, NM_001407853.1, NM_001407838.1 and 12 more transcripts); c.4735C>T, p.Pro1579Ser (NM_001407854.1, NM_001407593.1, NM_001407594.1 and 8 more transcripts); c.4732C>T, p.Pro1578Ser (NM_001407858.1, NM_001407859.1, NM_001407860.1 and 17 more transcripts); c.4729C>T, p.Pro1577Ser (NM_001407861.1, NM_001407627.1, NM_001407628.1 and 14 more transcripts); c.4534C>T, p.Pro1512Ser (NM_001407862.1); c.4609C>T, p.Pro1537Ser (NM_001407863.1, NM_001407670.1, NM_001407671.1 and 11 more transcripts); c.4528C>T, p.Pro1510Ser (NM_001407874.1, NM_001407875.1); c.4522C>T, p.Pro1508Ser (NM_001407899.1, NM_001407900.1, NM_001407906.1 and 12 more transcripts); and 70 more; short protein forms P1532S, P1579S, P1600S, P475S, P1466S, P1468S, P1489S, P1508S.
Identifiers: ClinVar variation 1055766 (VCV001055766.9), dbSNP rs145466894, ClinGen allele CA052875.

ClinVar aggregate classification (germline): Uncertain significance. Review status: criteria provided, multiple submitters, no conflicts (2 of 4 stars). 2 submissions from 2 submitters: Uncertain significance (2). Last evaluated 2023-07-14.

Conditions:
Hereditary breast ovarian cancer syndrome. Also called: Hereditary breast and/or ovarian cancer syndrome; Hereditary breast and ovarian cancer syndrome; Hereditary breast and ovarian cancer syndrome (HBOC); Breast and ovarian cancer; Hereditary breast and ovarian cancer; BRCA1- and BRCA2-Associated Hereditary Breast and Ovarian Cancer. Identifiers: Orphanet 145, MedGen C0677776, MeSH D061325, MONDO:0003582. Disease mechanism: loss of function.
Hereditary cancer-predisposing syndrome. Also called: Hereditary Cancer Syndrome; Tumor predisposition; Hereditary neoplastic syndrome; Neoplastic Syndromes, Hereditary. Identifiers: Orphanet 140162, MedGen C0027672, MeSH D009386, MONDO:0015356.

gnomAD v4.1: 3 of 1,614,060 alleles (0.00019%); no homozygotes.

Submissions (2):

Ambry Genetics
Classification: Uncertain significance for Hereditary cancer-predisposing syndrome. Last evaluated: 2023-07-14. Review status: criteria provided, single submitter. Criteria: Ambry Variant Classification Scheme 2023. Collection method: clinical testing. Allele origin: germline.
Comment: The p.P1579S variant (also known as c.4735C>T), located in coding exon 14 of the BRCA1 gene, results from a C to T substitution at nucleotide position 4735. The proline at codon 1579 is replaced by serine, an amino acid with similar properties. This amino acid position is not well conserved in available vertebrate species. In addition, the in silico prediction for this alteration is inconclusive. Since supporting evidence is limited at this time, the clinical significance of this alteration remains unclear.

Labcorp Genetics (formerly Invitae), Labcorp
Classification: Uncertain significance for Hereditary breast ovarian cancer syndrome. Last evaluated: 2021-09-01. Review status: criteria provided, single submitter. Criteria: Invitae Variant Classification Sherloc (09022015). Collection method: clinical testing. Allele origin: germline.
Comment: This sequence change replaces proline with serine at codon 1579 of the BRCA1 protein (p.Pro1579Ser). The proline residue is moderately conserved and there is a moderate physicochemical difference between proline and serine. This variant is present in population databases (rs145466894, ExAC 0.02%). This variant has not been reported in the literature in individuals affected with BRCA1-related conditions. Advanced modeling of protein sequence and biophysical properties (such as structural, functional, and spatial information, amino acid conservation, physicochemical variation, residue mobility, and thermodynamic stability) performed at Invitae indicates that this missense variant is not expected to disrupt BRCA1 protein function. In summary, the available evidence is currently insufficient to determine the role of this variant in disease. Therefore, it has been classified as a Variant of Uncertain Significance.